The following is an entry in ClinVar:

NM_000169.3(GLA):c.437del (p.Pro146fs)

Genes: GLA (galactosidase alpha; minus strand), RPL36A-HNRNPH2 (RPL36A-HNRNPH2 readthrough; plus strand). Cytogenetic location: Xq22.1.
Variant type: Deletion.
Coding change: c.437del on transcript NM_000169.3 (MANE Select); coding-DNA position 437, one base deleted (C; older notation c.437delC).
Protein change: p.Pro146fs; shifts the reading frame from proline 146.
Molecular consequence: frameshift variant. On other transcripts: intron variant (2), non-coding transcript variant (3).
Genome position (GRCh38, 1-based): chrX:101,401,742, G deleted on the plus strand (C on the coding strand, the reverse complement: GLA is on the minus strand); the first of 3 consecutive G bases (chrX:101,401,742-101,401,744); deleting any one gives the same sequence. VCF-style (leftmost placement, unchanged base first): chrX-101401741-AG-A. GRCh37 (hg19) VCF-style: chrX-100656729-AG-A.
Other names: c.177+9922del (NM_001199974.2); c.560del, p.Pro187fs (NM_001406747.1, NM_001406749.1); c.437del, p.Pro146fs (NM_001406748.1); c.300+6287del (NM_001199973.2); short protein forms P146fs, P187fs.
Identifiers: ClinVar variation 1070568 (VCV001070568.9), dbSNP rs2147477659, ClinGen allele CA2499226277.
Genomic context (GRCh38, chrX:101,401,741, plus strand): 5'-CAGATCTACTCCCCAGTCAGCAAAGGTCTGGGCATCAATGTCGTAGTATCCAAAACTCCC[AG>A]GGAAGCCTGCGCAGGTTTTATTTCCAACATCTGCATAAATCCCTAGCTTCAGTCCTTTGC-3'

ClinVar aggregate classification (germline): Pathogenic (1 of 4 stars; one submission).

Conditions:
Fabry disease. Also called: ALPHA-GALACTOSIDASE A DEFICIENCY; ANDERSON-FABRY DISEASE; CERAMIDE TRIHEXOSIDASE DEFICIENCY; GLA DEFICIENCY; HEREDITARY DYSTOPIC LIPIDOSIS; Fabry's disease. Identifiers: Orphanet 324, MedGen C0002986, MONDO:0010526, OMIM 301500, HP:0001071. Disease mechanism: Fabry disease is due to inactivating mutations in the X-linked GLA gene resulting in deficiency of the enzyme Alpha Galactosidase-A., loss of function.

Submission:

Labcorp Genetics (formerly Invitae), Labcorp
Classification: Pathogenic for Fabry disease. Last evaluated: 2020-07-24. Review status: criteria provided, single submitter. Criteria: Invitae Variant Classification Sherloc (09022015). Collection method: clinical testing. Allele origin: germline.
Comment: This sequence change creates a premature translational stop signal (p.Pro146Leufs*19) in the GLA gene. It is expected to result in an absent or disrupted protein product. This variant is not present in population databases (ExAC no frequency). This variant has been observed in individual(s) with clinical features of Fabry disease (Invitae). Loss-of-function variants in GLA are known to be pathogenic (PMID: 10666480, 12175777). For these reasons, this variant has been classified as Pathogenic.

Literature cited by the submitters: PubMed 10666480; PubMed 12175777.